The following is an entry in ClinVar:

ClinVar aggregate classification (germline): Uncertain significance (1 of 4 stars; one submission).

Submission:

Labcorp Genetics (formerly Invitae), Labcorp
Classification: Uncertain significance. Last evaluated: 2023-06-09. Review status: criteria provided, single submitter. Criteria: Invitae Variant Classification Sherloc (09022015). Collection method: clinical testing. Allele origin: germline.
Comment: In summary, the available evidence is currently insufficient to determine the role of this variant in disease. Therefore, it has been classified as a Variant of Uncertain Significance. Experimental studies and prediction algorithms are not available or were not evaluated, and the functional significance of this variant is currently unknown. This variant has not been reported in the literature in individuals affected with TNNI3K-related conditions. This variant results in a copy number gain of the genomic region encompassing exon(s) 1-22 of the TNNI3K gene. This region includes the initiator codon of the gene. This copy number gain extends beyond the assayed region for this gene and therefore may encompass additional genes. As the precise location of this event is unknown, it may be in tandem or it may be located elsewhere in the genome.

NC_000001.10:g.(?_74701136)_(74954952_?)dup

Genes: FPGT-TNNI3K (FPGT-TNNI3K readthrough; plus strand), TNNI3K (TNNI3 interacting kinase; plus strand). Cytogenetic location: 1p31.1.
Variant type: Duplication.
Identifiers: ClinVar variation 2426252 (VCV002426252.4).